The following is an entry in ClinVar:

ClinVar aggregate classification (germline): Uncertain significance (1 of 4 stars; one submission).

Conditions:
Tumor predisposition syndrome 3 (TPDS3). Also called: Melanoma, cutaneous malignant, susceptibility to, 10; Glioma susceptibility 9; LONG TELOMERE SYNDROME, POT1-RELATED; POT1 Tumor Predisposition. Identifiers: Orphanet 618, MedGen C4014476, MONDO:0014368, OMIM 615848.

Submission:

Labcorp Genetics (formerly Invitae), Labcorp
Classification: Uncertain significance for Tumor predisposition syndrome 3. Last evaluated: 2025-06-09. Review status: criteria provided, single submitter. Criteria: Invitae Variant Classification Sherloc (09022015). Collection method: clinical testing. Allele origin: germline.
Comment: This sequence change replaces isoleucine, which is neutral and non-polar, with threonine, which is neutral and polar, at codon 71 of the POT1 protein (p.Ile71Thr). Information on the frequency of this variant in the gnomAD database is not available, as this variant may be reported differently in the database. This variant has not been reported in the literature in individuals affected with POT1-related conditions. ClinVar contains an entry for this variant (Variation ID: 2125724). An algorithm developed to predict the effect of missense changes on protein structure and function (PolyPhen-2) suggests that this variant is likely to be tolerated. In summary, the available evidence is currently insufficient to determine the role of this variant in disease. Therefore, it has been classified as a Variant of Uncertain Significance.

NM_015450.3(POT1):c.212_213delinsCC (p.Ile71Thr)

Gene: POT1 (protection of telomeres 1; minus strand). Cytogenetic location: 7q31.33.
Variant type: Indel.
Coding change: c.212_213delinsCC on transcript NM_015450.3 (MANE Select); coding-DNA positions 212 to 213, TA replaced by CC.
Protein change: p.Ile71Thr; replaces isoleucine 71 with threonine.
Molecular consequence: missense variant. On other transcripts: non-coding transcript variant (3), intron variant (1).
Genome position (GRCh38, 1-based): chr7:124,870,953-124,870,954, TA replaced by GG on the plus strand (TA replaced by CC on the coding strand, the reverse complement: POT1 is on the minus strand). VCF-style: chr7-124870953-TA-GG. GRCh37 (hg19) VCF-style: chr7-124511007-TA-GG.
Other names: c.-138-7314_-138-7313delinsCC (NM_001042594.2); short protein forms I71T.
Identifiers: ClinVar variation 2125724 (VCV002125724.4), dbSNP rs2485504899, ClinGen allele CA2580076455.
Genomic context (GRCh38, chr7:124,870,953, plus strand): 5'-AGACAATATGAATTATACCTTCAGCCTGTGAAAGCGAACAATATCTCCATTTTTATAAAT[TA>GG]TTGGAAGGGCTTCATAGTTTCCACTAAAGAGCAGGCAAGTTAGTTTTACATTTGTCTGGT-3'
Protein context (NP_056265.2, residues 61-81): LFSGNYEALP[Ile71Thr]IYKNGDIVRF